The following is an entry in ClinVar:

ClinVar aggregate classification (germline): Uncertain significance (1 of 4 stars; one submission).

gnomAD v4.1: 3 of 1,613,872 alleles (0.00019%); highest among the groups gnomAD compares: African/African-American, 0.004%; no homozygotes.

Submission:

GeneDx
Classification: Uncertain significance. Last evaluated: 2026-02-27. Review status: criteria provided, single submitter. Criteria: GeneDx Variant Classification Process June 2021. Collection method: clinical testing. Allele origin: germline.
Comment: In silico analysis supports that this missense variant has a deleterious effect on protein structure/function; Has not been previously published as pathogenic or benign to our knowledge

NM_022124.6(CDH23):c.8376C>A (p.Asp2792Glu)

Gene: CDH23 (cadherin related 23; plus strand). Cytogenetic location: 10q22.1.
Variant type: single nucleotide variant.
Coding change: c.8376C>A on transcript NM_022124.6 (MANE Select); coding-DNA position 8376, C replaced by A.
Protein change: p.Asp2792Glu; replaces aspartic acid 2792 with glutamic acid.
Molecular consequence: missense variant.
Genome position (GRCh38, 1-based): chr10:71,807,583, C>A. VCF-style: chr10-71807583-C-A. GRCh37 (hg19) VCF-style: chr10-73567340-C-A.
Other names: c.1656C>A, p.Asp552Glu (NM_001171933.1, NM_001171934.1); short protein forms D552E, D2792E.
Identifiers: ClinVar variation 5010092 (VCV005010092.1).
Genomic context (GRCh38, chr10:71,807,583, plus strand): 5'-CGAAGAGAAGAACTTCCATCTGCAGCCCGATGGGTGTCTGCTGGTGCTGCGGGACCTGGA[C>A]CGGGAGCGAGAAGCCATCTTCTCCTTCATCGTCAAGGCCTCCAGCAATCGCAGCTGGACA-3'
Protein context (NP_071407.4, residues 2782-2802): DGCLLVLRDL[Asp2792Glu]REREAIFSFI